The following is an entry in ClinVar:

NM_004560.4(ROR2):c.2489A>G (p.Tyr830Cys)

Gene: ROR2 (receptor tyrosine kinase like orphan receptor 2; minus strand). Cytogenetic location: 9q22.31.
Variant type: single nucleotide variant.
Coding change: c.2489A>G on transcript NM_004560.4 (MANE Select); coding-DNA position 2489, A replaced by G.
Protein change: p.Tyr830Cys; replaces tyrosine 830 with cysteine.
Molecular consequence: missense variant.
Genome position (GRCh38, 1-based): chr9:91,724,005, T>C on the plus strand (A>G on the coding strand, the complement: ROR2 is on the minus strand). VCF-style: chr9-91724005-T-C. GRCh37 (hg19) VCF-style: chr9-94486287-T-C.
Other names: c.2489A>G (NM_004560.3); short protein forms Y830C.
Identifiers: ClinVar variation 289268 (VCV000289268.10), dbSNP rs775640546, ClinGen allele CA5120373.

ClinVar aggregate classification (germline): Uncertain significance. Review status: criteria provided, multiple submitters, no conflicts (2 of 4 stars). 3 submissions from 3 submitters: Uncertain significance (3). Last evaluated 2023-01-22.

Conditions:
Inborn genetic diseases. Identifiers: MedGen C0950123, MeSH D030342.

Allele frequency attached by ClinVar (database versions not stated): gnomAD 0.00001 and 0.00003; ExAC 0.00002; gnomAD exomes 0.00002 and 0.00003; TOPMed 0.00002.

Submissions (3):

Labcorp Genetics (formerly Invitae), Labcorp
Classification: Uncertain significance. Last evaluated: 2023-01-22. Review status: criteria provided, single submitter. Criteria: Invitae Variant Classification Sherloc (09022015). Collection method: clinical testing. Allele origin: germline.
Comment: This sequence change replaces tyrosine, which is neutral and polar, with cysteine, which is neutral and slightly polar, at codon 830 of the ROR2 protein (p.Tyr830Cys). This variant is present in population databases (rs775640546, gnomAD 0.004%). This variant has not been reported in the literature in individuals affected with ROR2-related conditions. ClinVar contains an entry for this variant (Variation ID: 289268). Advanced modeling of protein sequence and biophysical properties (such as structural, functional, and spatial information, amino acid conservation, physicochemical variation, residue mobility, and thermodynamic stability) performed at Invitae indicates that this missense variant is not expected to disrupt ROR2 protein function. In summary, the available evidence is currently insufficient to determine the role of this variant in disease. Therefore, it has been classified as a Variant of Uncertain Significance.

Ambry Genetics
Classification: Uncertain significance for Inborn genetic diseases. Last evaluated: 2022-01-05. Review status: criteria provided, single submitter. Criteria: Ambry Variant Classification Scheme 2023. Collection method: clinical testing. Allele origin: germline.

Eurofins Ntd Llc (ga)
Classification: Uncertain significance. Last evaluated: 2016-08-31. Review status: criteria provided, single submitter. Criteria: EGL Classification Definitions 2015. Collection method: clinical testing. Allele origin: germline. Observed: 1 variant allele, 1 heterozygote.